The following is an entry in ClinVar:

NM_001365951.3(KIF1B):c.4309C>G (p.Arg1437Gly)

Gene: KIF1B (kinesin family member 1B; plus strand). Cytogenetic location: 1p36.22.
Variant type: single nucleotide variant.
Coding change: c.4309C>G on transcript NM_001365951.3 (MANE Select); coding-DNA position 4309, C replaced by G.
Protein change: p.Arg1437Gly; replaces arginine 1437 with glycine.
Molecular consequence: missense variant.
Genome position (GRCh38, 1-based): chr1:10,363,287, C>G. VCF-style: chr1-10363287-C-G. GRCh37 (hg19) VCF-style: chr1-10423345-C-G.
Other names: c.4309C>G, p.Arg1437Gly (NM_001365952.1); c.4171C>G, p.Arg1391Gly (NM_015074.3); short protein forms R1437G, R1391G.
Identifiers: ClinVar variation 1738424 (VCV001738424.3), dbSNP rs1638473963, ClinGen allele CA338318542.

ClinVar aggregate classification (germline): Uncertain significance (1 of 4 stars; one submission).

gnomAD v4.1: 1 of 1,611,814 alleles (0.000062%); highest among the groups gnomAD compares: Non-Finnish European, 0.000085%; no homozygotes.

Submission:

Ambry Genetics
Classification: Uncertain significance. Last evaluated: 2025-07-07. Review status: criteria provided, single submitter. Criteria: Ambry Variant Classification Scheme 2023. Collection method: clinical testing. Allele origin: germline.
Comment: The p.R1391G variant (also known as c.4171C>G), located in coding exon 38 of the KIF1B gene, results from a C to G substitution at nucleotide position 4171. The arginine at codon 1391 is replaced by glycine, an amino acid with dissimilar properties. This amino acid position is conserved. In addition, this alteration is predicted to be deleterious by in silico analysis. Since supporting evidence is limited at this time, the clinical significance of this alteration remains unclear.